The following is an entry in ClinVar:

NM_019066.5(MAGEL2):c.674C>T (p.Pro225Leu)

Gene: MAGEL2 (MAGE family member L2; minus strand). Cytogenetic location: 15q11.2.
Variant type: single nucleotide variant.
Coding change: c.674C>T on transcript NM_019066.5 (MANE Select); coding-DNA position 674, C replaced by T.
Protein change: p.Pro225Leu; replaces proline 225 with leucine.
Molecular consequence: missense variant.
Genome position (GRCh38, 1-based): chr15:23,647,069, G>A on the plus strand (C>T on the coding strand, the complement: MAGEL2 is on the minus strand). VCF-style: chr15-23647069-G-A. GRCh37 (hg19) VCF-style: chr15-23892216-G-A.
Other names: short protein forms P225L.
Identifiers: ClinVar variation 1968951 (VCV001968951.5), dbSNP rs1025538343, ClinGen allele CA391336749.

ClinVar aggregate classification (germline): Uncertain significance (1 of 4 stars; one submission).

Allele frequency attached by ClinVar (database versions not stated): TOPMed 0.00002.
gnomAD v4.1: 1 of 1,535,552 alleles (0.000065%); highest among the groups gnomAD compares: Non-Finnish European, 0.000087%; no homozygotes.

Submission:

Labcorp Genetics (formerly Invitae), Labcorp
Classification: Uncertain significance. Last evaluated: 2023-11-27. Review status: criteria provided, single submitter. Criteria: Invitae Variant Classification Sherloc (09022015). Collection method: clinical testing. Allele origin: germline.
Comment: This sequence change replaces proline, which is neutral and non-polar, with leucine, which is neutral and non-polar, at codon 225 of the MAGEL2 protein (p.Pro225Leu). This variant is not present in population databases (gnomAD no frequency). This variant has not been reported in the literature in individuals affected with MAGEL2-related conditions. ClinVar contains an entry for this variant (Variation ID: 1968951). Experimental studies and prediction algorithms are not available or were not evaluated, and the functional significance of this variant is currently unknown. In summary, the available evidence is currently insufficient to determine the role of this variant in disease. Therefore, it has been classified as a Variant of Uncertain Significance.